The following is an entry in ClinVar:

ClinVar aggregate classification (germline): Likely benign (0 of 4 stars; one submission).

Conditions:
PDGFRB-related disorder. Also called: PDGFRB-related condition.

Allele frequency attached by ClinVar (database versions not stated): gnomAD exomes below 0.00001; gnomAD 0.00002.
gnomAD v4.1: 4 of 1,613,550 alleles (0.00025%); highest among the groups gnomAD compares: African/African-American, 0.0053%; no homozygotes.

Submission:

PreventionGenetics, part of Exact Sciences
Classification: Likely benign for PDGFRB-related condition. Last evaluated: 2020-11-10. Review status: no assertion criteria provided. Collection method: clinical testing. Allele origin: germline.
Comment: This variant is classified as likely benign based on ACMG/AMP sequence variant interpretation guidelines (Richards et al. 2015 PMID: 25741868, with internal and published modifications).

NM_002609.4(PDGFRB):c.3039G>A (p.Gln1013=)

Gene: PDGFRB (platelet derived growth factor receptor beta; minus strand). Cytogenetic location: 5q32.
Variant type: single nucleotide variant.
Coding change: c.3039G>A on transcript NM_002609.4 (MANE Select); coding-DNA position 3039, G replaced by A.
Protein change: p.Gln1013=; no amino-acid change (glutamine 1013 retained).
Molecular consequence: synonymous variant.
Genome position (GRCh38, 1-based): chr5:150,117,716, C>T on the plus strand (G>A on the coding strand, the complement: PDGFRB is on the minus strand). VCF-style: chr5-150117716-C-T. GRCh37 (hg19) VCF-style: chr5-149497279-C-T.
Other names: c.2847G>A, p.Gln949= (NM_001355016.2); c.2556G>A, p.Gln852= (NM_001355017.2).
Identifiers: ClinVar variation 3030461 (VCV003030461.2), dbSNP rs1405846528, ClinGen allele CA447405847.